The following is an entry in ClinVar:

NM_015443.4(KANSL1):c.3032G>A (p.Arg1011Gln)

Gene: KANSL1 (KAT8 regulatory NSL complex subunit 1). Cytogenetic location: 17q21.31.
Variant type: single nucleotide variant.
Coding change: c.3032G>A on transcript NM_015443.4 (MANE Select); coding-DNA position 3032, G replaced by A.
Protein change: p.Arg1011Gln; replaces arginine 1011 with glutamine.
Molecular consequence: missense variant.
Genome position (GRCh38, 1-based): chr17:46,032,105, C>T on the plus strand (G>A on the coding strand, the complement: KANSL1 is on the minus strand). VCF-style: chr17-46032105-C-T. GRCh37 (hg19) VCF-style: chr17-44109471-C-T.
Other names: c.2927G>A, p.Arg976Gln (NM_001405861.1); c.2900G>A, p.Arg967Gln (NM_001405872.1, NM_001405873.1, NM_001405874.1); c.2930G>A, p.Arg977Gln (NM_001405859.1, NM_001405860.1); c.2843G>A, p.Arg948Gln (NM_001405875.1, NM_001405876.1, NM_001405877.1 and 1 more transcripts); c.3029G>A, p.Arg1010Gln (NM_001193465.2, NM_001405856.1, NM_001405857.1 and 1 more transcripts); c.3032G>A, p.Arg1011Gln (NM_001193466.2, NM_001379198.1, NM_001405854.1 and 1 more transcripts); c.2840G>A, p.Arg947Gln (NM_001405879.1, NM_001405880.1); c.2795G>A, p.Arg932Gln (NM_001405881.1); and 4 more; short protein forms R1011Q, R525Q, R976Q, R977Q, R588Q, R947Q, R967Q, R1010Q.
Identifiers: ClinVar variation 3692457 (VCV003692457.2).

ClinVar aggregate classification (germline): Uncertain significance (1 of 4 stars; one submission).

Conditions:
Koolen-de Vries syndrome (KDVS). Identifiers: Orphanet 96169, MedGen C1864871, MONDO:0012496, OMIM 610443.

gnomAD v4.1: 3 of 1,614,046 alleles (0.00019%); highest among the groups gnomAD compares: East Asian, 0.0022%; no homozygotes.

Submission:

Labcorp Genetics (formerly Invitae), Labcorp
Classification: Uncertain significance for Koolen-de Vries syndrome. Last evaluated: 2024-08-05. Review status: criteria provided, single submitter. Criteria: Invitae Variant Classification Sherloc (09022015). Collection method: clinical testing. Allele origin: germline.
Comment: This sequence change replaces arginine, which is basic and polar, with glutamine, which is neutral and polar, at codon 1011 of the KANSL1 protein (p.Arg1011Gln). This variant is not present in population databases (gnomAD no frequency). This variant has not been reported in the literature in individuals affected with KANSL1-related conditions. Advanced modeling of protein sequence and biophysical properties (such as structural, functional, and spatial information, amino acid conservation, physicochemical variation, residue mobility, and thermodynamic stability) has been performed at Invitae for this missense variant, however the output from this modeling did not meet the statistical confidence thresholds required to predict the impact of this variant on KANSL1 protein function. In summary, the available evidence is currently insufficient to determine the role of this variant in disease. Therefore, it has been classified as a Variant of Uncertain Significance.